The following is an entry in ClinVar:

ClinVar aggregate classification (germline): Pathogenic/Likely pathogenic. Review status: criteria provided, multiple submitters, no conflicts (2 of 4 stars). 5 submissions from 5 submitters: Pathogenic (2); Likely pathogenic (3). Last evaluated 2025-03-31.

Conditions:
NMNAT1-related disorder. Also called: NMNAT1-related condition.
Leber congenital amaurosis 9 (LCA9). Also called: LCA9 Leber Congenital Amaurosis; LCA 9; Amaurosis congenita of Leber, type 9. Identifiers: Orphanet 65, MedGen C1837873, MONDO:0012056, OMIM 608553.

Allele frequency attached by ClinVar (database versions not stated): gnomAD 0.00001 and 0.00003; TOPMed 0.00002; gnomAD exomes 0.00005; ExAC 0.00007; ESP Exome Variant Server 0.00015.
gnomAD v4.1: 78 of 1,614,152 alleles (0.0048%); highest among the groups gnomAD compares: East Asian, 0.031%; no homozygotes.

Submissions (5):

Labcorp Genetics (formerly Invitae), Labcorp
Classification: Pathogenic for Leber congenital amaurosis 9. Last evaluated: 2025-03-31. Review status: criteria provided, single submitter. Criteria: Invitae Variant Classification Sherloc (09022015). Collection method: clinical testing. Allele origin: germline.
Comment: This sequence change replaces arginine, which is basic and polar, with cysteine, which is neutral and slightly polar, at codon 237 of the NMNAT1 protein (p.Arg237Cys). This variant is present in population databases (rs375110174, gnomAD 0.02%). This missense change has been observed in individual(s) with Leber congenital amaurosis (PMID: 22842227, 22842229, 26316326). In at least one individual the data is consistent with being in trans (on the opposite chromosome) from a pathogenic variant. It has also been observed to segregate with disease in related individuals. ClinVar contains an entry for this variant (Variation ID: 845745). Invitae Evidence Modeling of protein sequence and biophysical properties (such as structural, functional, and spatial information, amino acid conservation, physicochemical variation, residue mobility, and thermodynamic stability) indicates that this missense variant is expected to disrupt NMNAT1 protein function with a positive predictive value of 80%. Experimental studies are conflicting or provide insufficient evidence to determine the effect of this variant on NMNAT1 function (PMID: 22842227, 26018082). For these reasons, this variant has been classified as Pathogenic.

3billion
Classification: Likely pathogenic for Leber congenital amaurosis 9. Last evaluated: 2024-06-07. Review status: criteria provided, single submitter. Criteria: ACMG Guidelines, 2015. Collection method: clinical testing. Allele origin: germline. Affected: yes.
Comment: The variant is observed at an extremely low frequency in the gnomAD v4.0.0 dataset (total allele frequency: 0.005%). Predicted Consequence/Location: Missense variant In silico tool predictions suggest damaging effect of the variant on gene or gene product [REVEL: 0.87 (>=0.6, sensitivity 0.68 and specificity 0.92); 3Cnet: 0.60 (>=0.6, sensitivity 0.72 and precision 0.9)]. The same nucleotide change resulting in the same amino acid change has been previously reported as pathogenic/likely pathogenic with strong evidence (ClinVar ID: VCV000845745 /PMID: 22842229). Different missense changes at the same codon (p.Arg237His, p.Arg237Leu) have been reported to be associated with NMNAT1-related disorder (ClinVar ID: VCV000037138 /PMID: 22842230, 29641573). Therefore, this variant is classified as Likely pathogenic according to the recommendation of ACMG/AMP guideline.

Clinical Genomics Laboratory, Washington University in St. Louis
Classification: Likely pathogenic for Leber congenital amaurosis 9. Last evaluated: 2024-05-10. Review status: criteria provided, single submitter. Criteria: ACMG Guidelines, 2015. Collection method: clinical testing. Allele origin: germline.
Comment: The NMNAT1 c.709C>T (p.Arg237Cys) variant has been reported in the compound heterozygous state with a pathogenic variant in at least six unrelated individuals affected with leber congenital amaurosis (Coppieters F et al., PMID: 26316326; Falk MJ et al., PMID: 22842227; Huan J et al., PMID: 34243968; Perrault I et al., PMID: 22842229). This variant is only observed on 14/282,780 alleles in the general population (gnomAD v.2.1.1), indicating it is not a common variant. Functional studies that measured NAD+ production of the p.Arg237Cys variant resulted in marginally reduced enzymatic activity (Falk MJ et al., PMID: 22842227; Sasaki Y et al., PMID: 26018082). Computational predictors indicate that the variant is damaging, evidence that correlates with impact to NMNAT1 function. This variant has been reported in the ClinVar database as a germline pathogenic variant by two submitters and likely pathogenic variant by one submitter. Based on available information and the ACMG/AMP guidelines for variant interpretation (Richards S et al., PMID: 25741868), this variant is classified as likely pathogenic.

Blueprint Genetics
Classification: Pathogenic for NMNAT1-related disorders. Last evaluated: 2017-09-12. Review status: criteria provided, single submitter. Criteria: ACMG Guidelines, 2015. Collection method: clinical testing. Allele origin: germline. Affected: yes. Observed: 5 variant alleles.

Neuberg Centre For Genomic Medicine, NCGM
Classification: Likely pathogenic for Leber congenital amaurosis 9. Review status: criteria provided, single submitter. Criteria: ACMG Guidelines, 2015. Collection method: clinical testing. Allele origin: germline. Inheritance: Autosomal recessive inheritance. Affected: yes.
Comment: The NMNAT1 c.709C>T (p.Arg237Cys) variant has been observed in individual(s) with Leber congenital amaurosis in compound heterozygous as well as homozygous state(Falk MJ et al). This variant is reported with the allele frequency (0.0049%) in the gnomad and novel (not in any individuals) in 1000 genome database. It has been submitted to ClinVar Pathogenic. The amino acid Arg at position 237 is changed to a Cys changing protein sequence and it might alter its composition and physico-chemical properties. The amino acid change p.Arg237Cys in NMNAT1 is predicted as conserved by GERP++ and PhyloP across 100 vertebrates. For these reasons, this variant has been classified as Likely Pathogenic. In the absence of another reportable variant, molecular diagnosis can not be confirmed.

Literature cited by the submitters: PubMed 22842227 (cited by Labcorp Genetics (formerly Invitae), Labcorp); PubMed 22842229 (cited by Labcorp Genetics (formerly Invitae), Labcorp and 3billion); PubMed 26316326 (cited by Labcorp Genetics (formerly Invitae), Labcorp); PubMed 26018082 (cited by Labcorp Genetics (formerly Invitae), Labcorp); PubMed 22842230 (cited by 3billion).

NM_022787.4(NMNAT1):c.709C>T (p.Arg237Cys)

Gene: NMNAT1 (nicotinamide nucleotide adenylyltransferase 1; plus strand). Cytogenetic location: 1p36.22.
Variant type: single nucleotide variant.
Coding change: c.709C>T on transcript NM_022787.4 (MANE Select); coding-DNA position 709, C replaced by T.
Protein change: p.Arg237Cys; replaces arginine 237 with cysteine.
Molecular consequence: missense variant.
Genome position (GRCh38, 1-based): chr1:9,982,570, C>T. VCF-style: chr1-9982570-C-T. GRCh37 (hg19) VCF-style: chr1-10042628-C-T.
Other names: c.709C>T, p.Arg237Cys (NM_001297778.1); short protein forms R237C.
Identifiers: ClinVar variation 845745 (VCV000845745.11), dbSNP rs375110174, ClinGen allele CA579315.